The following is an entry in ClinVar:

ClinVar aggregate classification (germline): Uncertain significance. Review status: criteria provided, multiple submitters, no conflicts (2 of 4 stars). 2 submissions from 2 submitters: Uncertain significance (2). Last evaluated 2023-12-19.

Conditions:
Ullrich congenital muscular dystrophy 2 (UCMD2). Identifiers: Orphanet 75840, MedGen C4225314, MONDO:0014654, OMIM 616470.
Bethlem myopathy 2 (BTHLM2). Identifiers: Orphanet 536516, Orphanet 610, MedGen C4225313, MONDO:0034022, OMIM 616471.

Allele frequency attached by ClinVar (database versions not stated): ExAC 0.00001; gnomAD 0.00001; gnomAD exomes 0.00001; TOPMed 0.00002.
gnomAD v4.1: 11 of 1,612,938 alleles (0.00068%); highest among the groups gnomAD compares: Non-Finnish European, 0.00093%; no homozygotes.

Submissions (2):

Blueprint Genetics
Classification: Uncertain significance. Last evaluated: 2023-12-19. Review status: criteria provided, single submitter. Criteria: ACMG Guidelines, 2015. Collection method: clinical testing. Allele origin: germline.

Labcorp Genetics (formerly Invitae), Labcorp
Classification: Uncertain significance for Bethlem myopathy 2; Ullrich congenital muscular dystrophy 2. Last evaluated: 2023-09-21. Review status: criteria provided, single submitter. Criteria: Invitae Variant Classification Sherloc (09022015). Collection method: clinical testing. Allele origin: germline.
Comment: In summary, the available evidence is currently insufficient to determine the role of this variant in disease. Therefore, it has been classified as a Variant of Uncertain Significance. Advanced modeling of protein sequence and biophysical properties (such as structural, functional, and spatial information, amino acid conservation, physicochemical variation, residue mobility, and thermodynamic stability) performed at Invitae indicates that this missense variant is not expected to disrupt COL12A1 protein function. ClinVar contains an entry for this variant (Variation ID: 2169863). This variant has not been reported in the literature in individuals affected with COL12A1-related conditions. This variant is present in population databases (rs760275038, gnomAD 0.0009%). This sequence change replaces glutamic acid, which is acidic and polar, with alanine, which is neutral and non-polar, at codon 716 of the COL12A1 protein (p.Glu716Ala).

NM_004370.6(COL12A1):c.2147A>C (p.Glu716Ala)

Gene: COL12A1 (collagen type XII alpha 1 chain; minus strand). Cytogenetic location: 6q13.
Variant type: single nucleotide variant.
Coding change: c.2147A>C on transcript NM_004370.6 (MANE Select); coding-DNA position 2147, A replaced by C.
Protein change: p.Glu716Ala; replaces glutamic acid 716 with alanine.
Molecular consequence: missense variant. On other transcripts: intron variant (1).
Genome position (GRCh38, 1-based): chr6:75,180,956, T>G on the plus strand (A>C on the coding strand, the complement: COL12A1 is on the minus strand). VCF-style: chr6-75180956-T-G. GRCh37 (hg19) VCF-style: chr6-75890672-T-G.
Other names: c.73+21764A>C (NM_080645.3); short protein forms E716A.
Identifiers: ClinVar variation 2169863 (VCV002169863.5), dbSNP rs760275038, ClinGen allele CA3894060.
Genomic context (GRCh38, chr6:75,180,956, plus strand): 5'-ATTATTCATTTTCTGAATAACAGTGGCAGAAACCCCATCACACCTTCTTCGGTGGTCTCC[T>G]CTCCAGCTAAGGGAATGCTGAAGCCATCCTCATACTCCGCAGTCACATTGACCAAATACA-3'
Protein context (NP_004361.3, residues 706-726): EDGFSIPLAG[Glu716Ala]ETTEEVKGAP